The following is an entry in ClinVar:

ClinVar aggregate classification (germline): Uncertain significance. Review status: criteria provided, multiple submitters, no conflicts (2 of 4 stars). 2 submissions from 2 submitters: Uncertain significance (2). Last evaluated 2025-04-09.

Conditions:
Inborn genetic diseases. Identifiers: MedGen C0950123, MeSH D030342.
Deficiency of ferroxidase (ACEP). Also called: Aceruloplasminemia; Ceruloplasmin deficiency; Familial apoceruloplasmin deficiency; Hereditary ceruloplasmin deficiency; Deficiency of ceruloplasmin; NEURODEGENERATION WITH BRAIN IRON ACCUMULATION 10. Identifiers: Orphanet 48818, MedGen C0878682, MONDO:0011426, OMIM 604290, HP:0025498.

Allele frequency attached by ClinVar (database versions not stated): gnomAD exomes 0.00001; TOPMed below 0.00001.
gnomAD v4.1: 8 of 1,613,956 alleles (0.0005%); highest among the groups gnomAD compares: Non-Finnish European, 0.00068%; no homozygotes.

Submissions (2):

Ambry Genetics
Classification: Uncertain significance for Inborn genetic diseases. Last evaluated: 2025-04-09. Review status: criteria provided, single submitter. Criteria: Ambry Variant Classification Scheme 2023. Collection method: clinical testing. Allele origin: germline.

Labcorp Genetics (formerly Invitae), Labcorp
Classification: Uncertain significance for Deficiency of ferroxidase. Last evaluated: 2022-08-20. Review status: criteria provided, single submitter. Criteria: Invitae Variant Classification Sherloc (09022015). Collection method: clinical testing. Allele origin: germline.
Comment: In summary, the available evidence is currently insufficient to determine the role of this variant in disease. Therefore, it has been classified as a Variant of Uncertain Significance. Advanced modeling of protein sequence and biophysical properties (such as structural, functional, and spatial information, amino acid conservation, physicochemical variation, residue mobility, and thermodynamic stability) performed at Invitae indicates that this missense variant is expected to disrupt CP protein function. This variant has not been reported in the literature in individuals affected with CP-related conditions. This variant is not present in population databases (gnomAD no frequency). This sequence change replaces tryptophan, which is neutral and slightly polar, with glycine, which is neutral and non-polar, at codon 743 of the CP protein (p.Trp743Gly).

NM_000096.4(CP):c.2227T>G (p.Trp743Gly)

Gene: CP (ceruloplasmin; minus strand). Cytogenetic location: 3q24.
Variant type: single nucleotide variant.
Coding change: c.2227T>G on transcript NM_000096.4 (MANE Select); coding-DNA position 2227, T replaced by G.
Protein change: p.Trp743Gly; replaces tryptophan 743 with glycine.
Molecular consequence: missense variant. On other transcripts: non-coding transcript variant (1).
Genome position (GRCh38, 1-based): chr3:149,185,297, A>C on the plus strand (T>G on the coding strand, the complement: CP is on the minus strand). VCF-style: chr3-149185297-A-C. GRCh37 (hg19) VCF-style: chr3-148903084-A-C.
Other names: c.2227T>G (NM_000096.3); short protein forms W743G.
Identifiers: ClinVar variation 2182610 (VCV002182610.3), dbSNP rs948479993, ClinGen allele CA85534392.